The following is an entry in ClinVar:

NM_004247.4(EFTUD2):c.870-11CT[3]

Gene: EFTUD2 (elongation factor Tu GTP binding domain containing 2; minus strand). Cytogenetic location: 17q21.31.
Variant type: Microsatellite.
Coding change: c.870-11CT[3] on transcript NM_004247.4 (MANE Select); three copies in a row of the 2-base unit CT starting at c.870-11; the reference has two copies in a row; one copy, 2 bases duplicated.
Molecular consequence: intron variant.
Genome position (GRCh38, 1-based): chr17:44,872,578-44,872,579, AG duplicated on the plus strand (CT on the coding strand, the reverse complement: EFTUD2 is on the minus strand); duplicating any 2 consecutive bases within chr17:44,872,578-44,872,582 gives the same sequence; the position shown is the placement nearest the transcript's 3' end. VCF-style (leftmost placement, unchanged base first): chr17-44872577-C-CAG. GRCh37 (hg19) VCF-style: chr17-42949945-C-CAG.
Other names: c.765-11CT[3] (NM_001142605.2); c.840-11CT[3] (NM_001258354.2); c.870-11CT[3] (NM_001258353.2).
Identifiers: ClinVar variation 1700395 (VCV001700395.2), dbSNP rs761538887, ClinGen allele CA2580613152.

ClinVar aggregate classification (germline): Uncertain significance (1 of 4 stars; one submission).

Submission:

GeneDx
Classification: Uncertain significance. Last evaluated: 2022-02-02. Review status: criteria provided, single submitter. Criteria: GeneDx Variant Classification Process June 2021. Collection method: clinical testing. Allele origin: germline. Affected: yes.
Comment: Not observed at significant frequency in large population cohorts (gnomAD); In-silico analysis is inconclusive as to whether the variant alters gene splicing. In the absence of RNA/functional studies, the actual effect of this sequence change is unknown.; Has not been previously published as pathogenic or benign to our knowledge